The following is an entry in ClinVar:

ClinVar aggregate classification (germline): Pathogenic. Review status: criteria provided, multiple submitters, no conflicts (2 of 4 stars). 3 submissions from 3 submitters: Pathogenic (3). Last evaluated 2024-09-06.

Conditions:
Hyperphosphatasia with impaired intellectual development syndrome 4. Also called: Hyperphosphatasia with intellectual disability syndrome 4; GLYCOSYLPHOSPHATIDYLINOSITOL BIOSYNTHESIS DEFECT 10. Identifiers: Orphanet 247262, MedGen C3810354, MONDO:0014318, OMIM 615716.

Allele frequency attached by ClinVar (database versions not stated): gnomAD exomes 0.00002; TOPMed 0.00002; gnomAD 0.00001; ESP Exome Variant Server 0.00008.
gnomAD v4.1: 34 of 1,613,954 alleles (0.0021%); highest among the groups gnomAD compares: Non-Finnish European, 0.0025%; no homozygotes.

Submissions (3):

Labcorp Genetics (formerly Invitae), Labcorp
Classification: Pathogenic. Last evaluated: 2024-09-06. Review status: criteria provided, single submitter. Criteria: Invitae Variant Classification Sherloc (09022015). Collection method: clinical testing. Allele origin: germline.
Comment: This sequence change affects a donor splice site in intron 6 of the PGAP3 gene. It is expected to disrupt RNA splicing. Variants that disrupt the donor or acceptor splice site typically lead to a loss of protein function (PMID: 16199547), and loss-of-function variants in PGAP3 are known to be pathogenic (PMID: 2443911, 27120253). This variant is present in population databases (rs144574243, gnomAD 0.003%). Disruption of this splice site has been observed in individual(s) with clinical features of PGAP3-related conditions (internal data). In at least one individual the data is consistent with being in trans (on the opposite chromosome) from a pathogenic variant. ClinVar contains an entry for this variant (Variation ID: 373293). Algorithms developed to predict the effect of sequence changes on RNA splicing suggest that this variant may disrupt the consensus splice site. For these reasons, this variant has been classified as Pathogenic.

Revvity Omics, Revvity
Classification: Pathogenic for Hyperphosphatasia with impaired intellectual development syndrome 4. Last evaluated: 2022-06-24. Review status: criteria provided, single submitter. Criteria: ACMG Guidelines, 2015. Collection method: clinical testing. Allele origin: germline.

GeneDx
Classification: Pathogenic. Last evaluated: 2016-11-25. Review status: criteria provided, single submitter. Criteria: GeneDx Variant Classification (06012015). Collection method: clinical testing. Allele origin: germline. Affected: yes.
Comment: The c.694+1G>A variant in the PGAP3 gene has not been reported previously as a pathogenic variant nor as a benign variant, to our knowledge. This splice site variant destroys the canonical splice donor site in intron 6. It is predicted to cause abnormal gene splicing, either leading to an abnormal message that is subject to nonsense-mediated mRNA decay, or to an abnormal protein product if the message is used for protein translation. The c.694+1G>A variant was not observed at any significant frequency in approximately 6500 individuals of European and African American ancestry in the NHLBI Exome Sequencing Project, indicating it is not a common benign variant in these populations. We interpret c.694+1G>A as a pathogenic variant.

Literature cited by the submitters: PubMed 16199547 (cited by Labcorp Genetics (formerly Invitae), Labcorp); PubMed 2443911 (cited by Labcorp Genetics (formerly Invitae), Labcorp); PubMed 27120253 (cited by Labcorp Genetics (formerly Invitae), Labcorp).

NM_033419.5(PGAP3):c.694+1G>A

Gene: PGAP3 (post-GPI attachment to proteins phospholipase 3; minus strand). Cytogenetic location: 17q12.
Variant type: single nucleotide variant.
Coding change: c.694+1G>A on transcript NM_033419.5 (MANE Select); the canonical splice donor site of the intron after coding-DNA position 694, G replaced by A.
Molecular consequence: splice donor variant. On other transcripts: intron variant (3).
Genome position (GRCh38, 1-based): chr17:39,673,513, C>T on the plus strand (G>A on the coding strand, the complement: PGAP3 is on the minus strand). VCF-style: chr17-39673513-C-T. GRCh37 (hg19) VCF-style: chr17-37829766-C-T.
Other names: c.541+1G>A (NM_001291726.2); c.433-647G>A (NM_001291733.2); c.494+480G>A (NM_001291732.2); c.631+1G>A (NM_001291728.2); c.557+480G>A (NM_001291730.2).
Identifiers: ClinVar variation 373293 (VCV000373293.9), dbSNP rs144574243, ClinGen allele CA16042983.